The following is an entry in ClinVar:

ClinVar aggregate classification (germline): Benign (1 of 4 stars; one submission).

Conditions:
HTT-related disorder. Also called: HTT-related condition.

Submission:

PreventionGenetics, part of Exact Sciences
Classification: Benign for HTT-related condition. Last evaluated: 2019-02-19. Review status: criteria provided, single submitter. Criteria: ACMG Guidelines, 2015. Collection method: clinical testing. Allele origin: germline.
Comment: This variant is classified as benign based on ACMG/AMP sequence variant interpretation guidelines (Richards et al. 2015 PMID: 25741868, with internal and published modifications).

NM_001388492.1(HTT):c.3267T>G (p.Ala1089=)

Gene: HTT (huntingtin; plus strand). Cytogenetic location: 4p16.3.
Variant type: single nucleotide variant.
Coding change: c.3267T>G on transcript NM_001388492.1 (MANE Select); coding-DNA position 3267, T replaced by G.
Protein change: p.Ala1089=; no amino-acid change (alanine 1089 retained).
Molecular consequence: synonymous variant.
Genome position (GRCh38, 1-based): chr4:3,146,920, T>G. VCF-style: chr4-3146920-T-G. GRCh37 (hg19) VCF-style: chr4-3148647-T-G.
Other names: c.3273T>G, p.Ala1091= (NM_002111.8).
Identifiers: ClinVar variation 3035586 (VCV003035586.1), dbSNP rs2476035779, ClinGen allele CA438123631.